The following is an entry in ClinVar:

NM_000540.3(RYR1):c.11339A>C (p.Gln3780Pro)

Gene: RYR1 (ryanodine receptor 1; plus strand). Cytogenetic location: 19q13.2.
Variant type: single nucleotide variant.
Coding change: c.11339A>C on transcript NM_000540.3 (MANE Select); coding-DNA position 11339, A replaced by C.
Protein change: p.Gln3780Pro; replaces glutamine 3780 with proline.
Molecular consequence: missense variant.
Genome position (GRCh38, 1-based): chr19:38,534,799, A>C. VCF-style: chr19-38534799-A-C. GRCh37 (hg19) VCF-style: chr19-39025439-A-C.
Other names: c.11324A>C, p.Gln3775Pro (NM_001042723.2); short protein forms Q3775P, Q3780P.
Identifiers: ClinVar variation 2435501 (VCV002435501.5), dbSNP rs1971893769, ClinGen allele CA405654807.
Genomic context (GRCh38, chr19:38,534,799, plus strand): 5'-AGAGGCTCTTGTACCAGCAAGCACGGCTGCACACCCGGGGGGCGGCCGAGATGGTGCTGC[A>C]GATGATCAGTGCCTGCAAAGGTGCCCCTCACATGTGCACTGGACTCTTCCGAGTGCACTC-3'
Protein context (NP_000531.2, residues 3770-3790): HTRGAAEMVL[Gln3780Pro]MISACKGETG

ClinVar aggregate classification (germline): Uncertain significance. Review status: criteria provided, multiple submitters, no conflicts (2 of 4 stars). 2 submissions from 2 submitters: Uncertain significance (2). Last evaluated 2024-03-09.

Conditions:
RYR1-related disorder. Also called: RYR1-related condition; RYR1-related disorders. Identifiers: MedGen CN239331.

Allele frequency attached by ClinVar (database versions not stated): TOPMed below 0.00001.
gnomAD v4.1: 1 of 1,613,290 alleles (0.000062%); no homozygotes.

Submissions (2):

Labcorp Genetics (formerly Invitae), Labcorp
Classification: Uncertain significance for RYR1-related disorder. Last evaluated: 2024-03-09. Review status: criteria provided, single submitter. Criteria: Invitae Variant Classification Sherloc (09022015). Collection method: clinical testing. Allele origin: germline.
Comment: This sequence change replaces glutamine, which is neutral and polar, with proline, which is neutral and non-polar, at codon 3780 of the RYR1 protein (p.Gln3780Pro). This variant is not present in population databases (gnomAD no frequency). This variant has not been reported in the literature in individuals affected with RYR1-related conditions. ClinVar contains an entry for this variant (Variation ID: 2435501). Advanced modeling of protein sequence and biophysical properties (such as structural, functional, and spatial information, amino acid conservation, physicochemical variation, residue mobility, and thermodynamic stability) performed at Invitae indicates that this missense variant is expected to disrupt RYR1 protein function with a positive predictive value of 80%. In summary, the available evidence is currently insufficient to determine the role of this variant in disease. Therefore, it has been classified as a Variant of Uncertain Significance.

Revvity Omics, Revvity
Classification: Uncertain significance. Last evaluated: 2020-02-29. Review status: criteria provided, single submitter. Criteria: ACMG Guidelines, 2015. Collection method: clinical testing. Allele origin: germline.